The following is an entry in ClinVar:

NM_005359.6(SMAD4):c.1210G>A (p.Asp404Asn)

Gene: SMAD4 (SMAD family member 4; plus strand). Cytogenetic location: 18q21.2.
Variant type: single nucleotide variant.
Coding change: c.1210G>A on transcript NM_005359.6 (MANE Select); coding-DNA position 1210, G replaced by A.
Protein change: p.Asp404Asn; replaces aspartic acid 404 with asparagine.
Molecular consequence: missense variant. On other transcripts: non-coding transcript variant (1).
Genome position (GRCh38, 1-based): chr18:51,067,089, G>A. VCF-style: chr18-51067089-G-A. GRCh37 (hg19) VCF-style: chr18-48593459-G-A.
Other names: c.1210G>A, p.Asp404Asn (NM_001407041.1, NM_001407042.1); short protein forms D404N.
Identifiers: ClinVar variation 3445883 (VCV003445883.1).
Genomic context (GRCh38, chr18:51,067,089, plus strand): 5'-GGCAAAGGTGTGCAGTTGGAATGTAAAGGTGAAGGTGATGTTTGGGTCAGGTGCCTTAGT[G>A]ACCACGCGGTCTTTGTACAGAGTTACTACTTAGACAGAGAAGCTGGGCGTGCACCTGGAG-3'
Protein context (NP_005350.1, residues 394-414): EGDVWVRCLS[Asp404Asn]HAVFVQSYYL

ClinVar aggregate classification (germline): Uncertain significance (1 of 4 stars; one submission).

Conditions:
Familial thoracic aortic aneurysm and aortic dissection (TAAD). Also called: Thoracic aortic aneurysms and dissections. Identifiers: Orphanet 91387, MedGen C4707243, MONDO:0019625.
Hereditary cancer-predisposing syndrome. Also called: Tumor predisposition; Neoplastic Syndromes, Hereditary; Hereditary neoplastic syndrome; Hereditary Cancer Syndrome. Identifiers: Orphanet 140162, MedGen C0027672, MeSH D009386, MONDO:0015356.

Submission:

Ambry Genetics
Classification: Uncertain significance for Hereditary cancer-predisposing syndrome; Familial thoracic aortic aneurysm and aortic dissection. Last evaluated: 2024-12-02. Review status: criteria provided, single submitter. Criteria: Ambry Variant Classification Scheme 2023. Collection method: clinical testing. Allele origin: germline.
Comment: The p.D404N variant (also known as c.1210G>A), located in coding exon 9 of the SMAD4 gene, results from a G to A substitution at nucleotide position 1210. The aspartic acid at codon 404 is replaced by asparagine, an amino acid with highly similar properties. This amino acid position is conserved. In addition, the in silico prediction for this alteration is inconclusive. Based on the available evidence, the clinical significance of this variant remains unclear.